The following is an entry in ClinVar:

ClinVar aggregate classification (germline): Conflicting classifications of pathogenicity. Review status: criteria provided, conflicting classifications (1 of 4 stars). 5 submissions from 5 submitters: Uncertain significance (4); Likely benign (1). Last evaluated 2024-09-03.

Conditions:
Cardiomyopathy (CMYO). Also called: Cardiomyopathies. Identifiers: Orphanet 167848, MedGen C0878544, MONDO:0004994, HP:0001638. Inheritance: Various modes of inheritance.

Allele frequency attached by ClinVar (database versions not stated): gnomAD 0.00001; gnomAD exomes 0.00001.
gnomAD v4.1: 30 of 1,613,670 alleles (0.0019%); highest among the groups gnomAD compares: Non-Finnish European, 0.0025%; no homozygotes.

Submissions (5):

GeneDx
Classification: Uncertain significance. Last evaluated: 2024-09-03. Review status: criteria provided, single submitter. Criteria: GeneDx Variant Classification Process June 2021. Collection method: clinical testing. Allele origin: germline. Affected: yes.
Comment: Not observed at significant frequency in large population cohorts (gnomAD); Missense variant in a gene in which most reported pathogenic variants are truncating/loss of function; Has not been previously published as pathogenic or benign to our knowledge

ARUP Laboratories, Molecular Genetics and Genomics, ARUP Laboratories
Classification: Uncertain significance. Last evaluated: 2024-06-14. Review status: criteria provided, single submitter. Criteria: ARUP Molecular Germline Variant Investigation Process 2024. Collection method: clinical testing. Allele origin: germline.
Comment: The TTN c.94932A>C; p.Glu31644Asp variant (rs1281349835; ClinVar Variation ID: 1162933) is rare in the general population (<0.2% allele frequency in the Genome Aggregation Database) and has not been reported in the medical literature in association with dilated cardiomyopathy (DCM) or other TTN-related disease. The clinical relevance of rare missense variants in this gene, which are identified on average once per individual sequenced in affected populations (Herman 2012), is not well understood. Yet, evidence suggests that the vast majority of such missense variants do not contribute to the clinical outcome of DCM (Begay 2015). Thus, the clinical significance of the p.Glu31644Asp variant cannot be determined with certainty. References: Begay RL et al. Role of Titin Missense Variants in Dilated Cardiomyopathy. J Am Heart Assoc. 2015 Nov 13;4(11). PMID: 26567375. Herman DS et al. Truncations of titin causing dilated cardiomyopathy. N Engl J Med. 2012 Feb 16;366(7):619-28. PMID: 22335739. Linke WA and Hamdani N. Gigantic business: titin properties and function through thick and thin. Circ Res 2014; 114(6): 1052-1068. PMID: 24625729.

Revvity Omics, Revvity
Classification: Uncertain significance. Last evaluated: 2023-04-26. Review status: criteria provided, single submitter. Criteria: ACMG Guidelines, 2015. Collection method: clinical testing. Allele origin: germline.

CHEO Genetics Diagnostic Laboratory, Children's Hospital of Eastern Ontario
Classification: Likely benign for Cardiomyopathy. Last evaluated: 2022-11-16. Review status: criteria provided, single submitter. Criteria: ACMG Guidelines, 2015. Collection method: clinical testing. Allele origin: germline.

Mayo Clinic Laboratories, Mayo Clinic
Classification: Uncertain significance. Last evaluated: 2020-07-02. Review status: criteria provided, single submitter. Criteria: ACMG Guidelines, 2015. Collection method: clinical testing. Allele origin: germline. Observed: 1 variant allele.

NM_001267550.2(TTN):c.94932A>C (p.Glu31644Asp)

Genes: TTN (titin; minus strand), TTN-AS1 (TTN antisense RNA 1; plus strand). Cytogenetic location: 2q31.2.
Variant type: single nucleotide variant.
Coding change: c.94932A>C on transcript NM_001267550.2 (MANE Select); coding-DNA position 94932, A replaced by C.
Protein change: p.Glu31644Asp; replaces glutamic acid 31644 with aspartic acid.
Molecular consequence: missense variant.
Genome position (GRCh38, 1-based): chr2:178,546,399, T>G on the plus strand (A>C on the coding strand, the complement: TTN is on the minus strand). VCF-style: chr2-178546399-T-G. GRCh37 (hg19) VCF-style: chr2-179411126-T-G.
Other names: c.90009A>C, p.Glu30003Asp (NM_001256850.1); c.67737A>C, p.Glu22579Asp (NM_003319.4); c.87228A>C, p.Glu29076Asp (NM_133378.4); c.68112A>C, p.Glu22704Asp (NM_133432.3); c.68313A>C, p.Glu22771Asp (NM_133437.4); c.94932A>C (NM_001267550.1); short protein forms E22579D, E22704D, E22771D, E29076D, E30003D, E31644D.
Identifiers: ClinVar variation 1162933 (VCV001162933.8), dbSNP rs1281349835, ClinGen allele CA349468685.
Genomic context (GRCh38, chr2:178,546,399, plus strand): 5'-CAAAGAGACTTTTTCACAGAGATCTAGCTCCTTGTCTCCTTTGGTCCAGATAATTTTGGG[T>G]TCAGGTTTGCCACCAACTGCAGCATCCAGAACAAGATCAGAACCTGCTCTGATGGTAACC-3'
Protein context (NP_001254479.2, residues 31634-31654): VLDAAVGGKP[Glu31644Asp]PKIIWTKGDK